The following is an entry in ClinVar:

NM_004793.4(LONP1):c.722G>A (p.Arg241Gln)

Gene: LONP1 (lon peptidase 1, mitochondrial; minus strand). Cytogenetic location: 19p13.3.
Variant type: single nucleotide variant.
Coding change: c.722G>A on transcript NM_004793.4 (MANE Select); coding-DNA position 722, G replaced by A.
Protein change: p.Arg241Gln; replaces arginine 241 with glutamine.
Molecular consequence: missense variant. On other transcripts: non-coding transcript variant (1).
Genome position (GRCh38, 1-based): chr19:5,711,919, C>T on the plus strand (G>A on the coding strand, the complement: LONP1 is on the minus strand). VCF-style: chr19-5711919-C-T. GRCh37 (hg19) VCF-style: chr19-5711930-C-T.
Other names: c.530G>A, p.Arg177Gln (NM_001276479.2); c.134G>A, p.Arg45Gln (NM_001276480.1); short protein forms R177Q, R241Q, R45Q.
Identifiers: ClinVar variation 676146 (VCV000676146.11), dbSNP rs11085147, ClinGen allele CA9114992.
Genomic context (GRCh38, chr19:5,711,919, plus strand): 5'-TCCATCGCCAGCTCCGCCGGGTGCCTGGCGCTCAGCTCGTCCTCCGCCTCCTTCTTGCCC[C>T]GCTTTGACTTCCTGCGGGGCTTGTGCTTGTTCTCCGCCTCCGGCTCCTCGGGCTCCACCT-3'
Protein context (NP_004784.2, residues 231-251): NKHKPRRKSK[Arg241Gln]GKKEAEDELS

ClinVar aggregate classification (germline): Benign. Review status: criteria provided, multiple submitters, no conflicts (2 of 4 stars). 3 submissions from 3 submitters: Benign (3). Last evaluated 2026-02-01.

Allele frequency attached by ClinVar (database versions not stated): gnomAD 0.05695 and 0.05914; TOPMed 0.05188; gnomAD exomes 0.05629; ExAC 0.05936; 1000 Genomes Project 30x 0.02202; ESP Exome Variant Server 0.06758; 1000 Genomes Project 0.02236.

Submissions (3):

Labcorp Genetics (formerly Invitae), Labcorp
Classification: Benign. Last evaluated: 2026-02-01. Review status: criteria provided, single submitter. Criteria: Invitae Variant Classification Sherloc (09022015). Collection method: clinical testing. Allele origin: germline.

GeneDx
Classification: Benign. Last evaluated: 2018-05-01. Review status: criteria provided, single submitter. Criteria: GeneDx Variant Classification (06012015). Collection method: clinical testing. Allele origin: germline. Affected: yes.
Comment: This variant is considered likely benign or benign based on one or more of the following criteria: it is a conservative change, it occurs at a poorly conserved position in the protein, it is predicted to be benign by multiple in silico algorithms, and/or has population frequency not consistent with disease.

Breakthrough Genomics
Classification: Benign. Review status: criteria provided, single submitter. Criteria: ACMG Guidelines, 2015. Collection method: not provided. Allele origin: germline. Inheritance: Autosomal recessive inheritance. Affected: yes.